The following is an entry in ClinVar:

ClinVar aggregate classification (germline): Uncertain significance (1 of 4 stars; one submission).

Conditions:
Ehlers-Danlos syndrome, classic type, 1 (EDSCL1). Also called: EHLERS-DANLOS SYNDROME, GRAVIS TYPE; EHLERS-DANLOS SYNDROME, SEVERE CLASSIC TYPE; Ehlers-Danlos syndrome, type 1; Ehlers-Danlos Syndrome, Classic Type, COL5A1-Related; EDS I. Identifiers: MedGen C0268335, MONDO:0019567, OMIM 130000.
Osteogenesis imperfecta type I (OI1). Also called: OI, TYPE I; OSTEOGENESIS IMPERFECTA TARDA; OSTEOGENESIS IMPERFECTA WITH BLUE SCLERAE; Osteogenesis imperfecta type 1; Lobstein's Disease; Lobstein disease. Identifiers: Orphanet 216796, Orphanet 666, MedGen C0023931, MONDO:0008146, OMIM 166200. Disease mechanism: loss of function.

Submission:

Labcorp Genetics (formerly Invitae), Labcorp
Classification: Uncertain significance for Osteogenesis imperfecta type I; Ehlers-Danlos syndrome, classic type, 1. Last evaluated: 2025-12-01. Review status: criteria provided, single submitter. Criteria: Invitae Variant Classification Sherloc (09022015). Collection method: clinical testing. Allele origin: germline.
Comment: This sequence change replaces methionine, which is neutral and non-polar, with arginine, which is basic and polar, at codon 1257 of the COL1A2 protein (p.Met1257Arg). This variant is not present in population databases (gnomAD no frequency). This missense change has been observed in individual(s) with clinical features of COL1A2-related conditions (internal data). Invitae Evidence Modeling of protein sequence and biophysical properties (such as structural, functional, and spatial information, amino acid conservation, physicochemical variation, residue mobility, and thermodynamic stability) indicates that this missense variant is expected to disrupt COL1A2 protein function with a positive predictive value of 95%. In summary, the available evidence is currently insufficient to determine the role of this variant in disease. Therefore, it has been classified as a Variant of Uncertain Significance.

NM_000089.4(COL1A2):c.3770T>G (p.Met1257Arg)

Gene: COL1A2 (collagen type I alpha 2 chain; plus strand). Cytogenetic location: 7q21.3.
Variant type: single nucleotide variant.
Coding change: c.3770T>G on transcript NM_000089.4 (MANE Select); coding-DNA position 3770, T replaced by G.
Protein change: p.Met1257Arg; replaces methionine 1257 with arginine.
Molecular consequence: missense variant.
Genome position (GRCh38, 1-based): chr7:94,429,246, T>G. VCF-style: chr7-94429246-T-G. GRCh37 (hg19) VCF-style: chr7-94058558-T-G.
Other names: short protein forms M1257R.
Identifiers: ClinVar variation 4789157 (VCV004789157.1).